The following is an entry in ClinVar:

ClinVar aggregate classification (germline): Uncertain significance (1 of 4 stars; one submission).

Conditions:
Familial temporal lobe epilepsy 7. Identifiers: Orphanet 101046, MedGen C4225327, MONDO:0014639, OMIM 616436.
Norman-Roberts syndrome (LIS2). Also called: Lissencephaly 2 (Norman-Roberts type). Identifiers: Orphanet 89844, MedGen C0796089, MONDO:0009760, OMIM 257320.

Submission:

Labcorp Genetics (formerly Invitae), Labcorp
Classification: Uncertain significance for Familial temporal lobe epilepsy 7; Norman-Roberts syndrome. Last evaluated: 2023-07-10. Review status: criteria provided, single submitter. Criteria: Invitae Variant Classification Sherloc (09022015). Collection method: clinical testing. Allele origin: germline.
Comment: In summary, the available evidence is currently insufficient to determine the role of this variant in disease. Therefore, it has been classified as a Variant of Uncertain Significance. Experimental studies and prediction algorithms are not available or were not evaluated, and the functional significance of this variant is currently unknown. This variant has not been reported in the literature in individuals affected with RELN-related conditions. This variant is present in population databases (rs763876687, gnomAD 0.007%). This variant, c.8882_8884del, results in the deletion of 1 amino acid(s) of the RELN protein (p.Asn2961del), but otherwise preserves the integrity of the reading frame.

NM_005045.4(RELN):c.8879ACA[1] (p.Asn2961del)

Genes: SLC26A5-AS1 (SLC26A5 antisense RNA 1; plus strand), RELN (reelin; minus strand). Cytogenetic location: 7q22.1.
Variant type: Microsatellite.
Coding change: c.8879ACA[1] on transcript NM_005045.4 (MANE Select); one copy of the 3-base unit ACA starting at c.8879; the reference has two copies in a row; one copy, 3 bases deleted.
Protein change: p.Asn2961del; deletes asparagine 2961.
Molecular consequence: inframe deletion.
Genome position (GRCh38, 1-based): chr7:103,497,886-103,497,888, TGT deleted on the plus strand (ACA on the coding strand, the reverse complement: RELN is on the minus strand); deleting any 3 consecutive bases within chr7:103,497,886-103,497,892 gives the same sequence; the position shown is the placement nearest the transcript's 3' end. VCF-style (leftmost placement, unchanged base first): chr7-103497885-ATGT-A. GRCh37 (hg19) VCF-style: chr7-103138332-ATGT-A.
Other names: c.8879ACA[1], p.Asn2961del (NM_173054.3); short protein forms N2961del.
Identifiers: ClinVar variation 1977154 (VCV001977154.5), dbSNP rs763876687, ClinGen allele CA4420347.